The following is an entry in ClinVar:

NM_001130009.3(GEN1):c.1228G>A (p.Gly410Arg)

Gene: GEN1 (GEN1 Holliday junction 5' flap endonuclease; plus strand). Cytogenetic location: 2p24.2.
Variant type: single nucleotide variant.
Coding change: c.1228G>A on transcript NM_001130009.3 (MANE Select); coding-DNA position 1228, G replaced by A.
Protein change: p.Gly410Arg; replaces glycine 410 with arginine.
Molecular consequence: missense variant.
Genome position (GRCh38, 1-based): chr2:17,778,027, G>A. VCF-style: chr2-17778027-G-A. GRCh37 (hg19) VCF-style: chr2-17959294-G-A.
Other names: c.1228G>A, p.Gly410Arg (NM_182625.5); short protein forms G410R.
Identifiers: ClinVar variation 3853515 (VCV003853515.1).

ClinVar aggregate classification (germline): Uncertain significance (1 of 4 stars; one submission).

Submission:

Ambry Genetics
Classification: Uncertain significance. Last evaluated: 2025-01-17. Review status: criteria provided, single submitter. Criteria: Ambry Variant Classification Scheme 2023. Collection method: clinical testing. Allele origin: germline.
Comment: The p.G410R variant (also known as c.1228G>A), located in coding exon 11 of the GEN1 gene, results from a G to A substitution at nucleotide position 1228. The glycine at codon 410 is replaced by arginine, an amino acid with dissimilar properties. This amino acid position is conserved. In addition, this alteration is predicted to be tolerated by in silico analysis. Based on the available evidence, the clinical significance of this variant remains unclear.